The following is an entry in ClinVar:

ClinVar aggregate classification (germline): Uncertain significance. Review status: criteria provided, multiple submitters, no conflicts (2 of 4 stars). 5 submissions from 5 submitters: Uncertain significance (4). 1 of the submissions does not count toward it. Last evaluated 2025-06-27.

Conditions:
Inborn genetic diseases. Identifiers: MedGen C0950123, MeSH D030342.
Methylmalonic acidemia (MMA). Also called: Isolated Methylmalonic Acidemia. Identifiers: MedGen C0268583, MeSH C537358, MONDO:0002012, HP:0002912.
Combined malonic and methylmalonic acidemia. Identifiers: Orphanet 289504, MedGen C3280314, MONDO:0013661, OMIM 614265.

Allele frequency attached by ClinVar (database versions not stated): gnomAD exomes 0.00002 and 0.00006; ExAC 0.00008; gnomAD 0.00011 and 0.00012; 1000 Genomes Project 30x 0.00016; 1000 Genomes Project 0.00020; ESP Exome Variant Server 0.00023; TOPMed 0.00028.

Submissions (6):

GeneDx
Classification: Uncertain significance. Last evaluated: 2025-06-27. Review status: criteria provided, single submitter. Criteria: GeneDx Variant Classification Process June 2021. Collection method: clinical testing. Allele origin: germline. Affected: yes.
Comment: In silico analysis supports that this missense variant has a deleterious effect on protein structure/function; Has not been previously published as pathogenic or benign to our knowledge

Ambry Genetics
Classification: Uncertain significance for Inborn genetic diseases. Last evaluated: 2024-09-30. Review status: criteria provided, single submitter. Criteria: Ambry Variant Classification Scheme 2023. Collection method: clinical testing. Allele origin: germline.

Women's Health and Genetics/Laboratory Corporation of America, LabCorp
Classification: Uncertain significance. Last evaluated: 2024-09-15. Review status: criteria provided, single submitter. Criteria: LabCorp Variant Classification Summary - May 2015. Collection method: clinical testing. Allele origin: germline.

Labcorp Genetics (formerly Invitae), Labcorp
Classification: Uncertain significance for Combined malonic and methylmalonic acidemia. Last evaluated: 2023-11-20. Review status: criteria provided, single submitter. Criteria: Invitae Variant Classification Sherloc (09022015). Collection method: clinical testing. Allele origin: germline.
Comment: This sequence change replaces methionine, which is neutral and non-polar, with valine, which is neutral and non-polar, at codon 266 of the ACSF3 protein (p.Met266Val). This variant is present in population databases (rs141607995, gnomAD 0.07%). This variant has not been reported in the literature in individuals affected with ACSF3-related conditions. ClinVar contains an entry for this variant (Variation ID: 423714). Advanced modeling of protein sequence and biophysical properties (such as structural, functional, and spatial information, amino acid conservation, physicochemical variation, residue mobility, and thermodynamic stability) has been performed at Invitae for this missense variant, however the output from this modeling did not meet the statistical confidence thresholds required to predict the impact of this variant on ACSF3 protein function. In summary, the available evidence is currently insufficient to determine the role of this variant in disease. Therefore, it has been classified as a Variant of Uncertain Significance.

Natera, Inc.
Classification: Uncertain significance for Methylmalonic acidemia. Last evaluated: 2020-09-16. Review status: no assertion criteria provided. Collection method: clinical testing. Allele origin: germline. Not counted in ClinVar's aggregate classification.

Dr. Peter K. Rogan Lab, Western University
No classification provided (evidence only). Condition: Uterine corpus endometrial carcinoma. Review status: no classification provided. Collection method: in vitro. Allele origin: not applicable. Functional consequence: retained intron. Not counted in ClinVar's aggregate classification.

NM_001243279.3(ACSF3):c.796A>G (p.Met266Val)

Gene: ACSF3 (acyl-CoA synthetase family member 3; plus strand). Cytogenetic location: 16q24.3.
Variant type: single nucleotide variant.
Coding change: c.796A>G on transcript NM_001243279.3 (MANE Select); coding-DNA position 796, A replaced by G.
Protein change: p.Met266Val; replaces methionine 266 with valine.
Molecular consequence: missense variant. On other transcripts: initiator codon variant (1), non-coding transcript variant (3).
Genome position (GRCh38, 1-based): chr16:89,102,733, A>G. VCF-style: chr16-89102733-A-G. GRCh37 (hg19) VCF-style: chr16-89169141-A-G.
Other names: c.796A>G, p.Met266Val (NM_001127214.4, NM_174917.5); c.1A>G, p.Met1Val (NM_001284316.2); short protein forms M266V, M1V.
Identifiers: ClinVar variation 423714 (VCV000423714.12), dbSNP rs141607995, ClinGen allele CA8237792.